The following is an entry in ClinVar:

ClinVar aggregate classification (germline): Uncertain significance (1 of 4 stars; one submission).

Submission:

Ambry Genetics
Classification: Uncertain significance. Last evaluated: 2024-02-24. Review status: criteria provided, single submitter. Criteria: Ambry Variant Classification Scheme 2023. Collection method: clinical testing. Allele origin: germline.
Comment: The p.Q723R variant (also known as c.2168A>G), located in coding exon 4 of the ALPK2 gene, results from an A to G substitution at nucleotide position 2168. The glutamine at codon 723 is replaced by arginine, an amino acid with highly similar properties. This amino acid position is conserved. In addition, this alteration is predicted to be tolerated by in silico analysis. Based on the available evidence, the clinical significance of this alteration remains unclear.

NM_052947.4(ALPK2):c.2168A>G (p.Gln723Arg)

Gene: ALPK2 (alpha kinase 2; minus strand). Cytogenetic location: 18q21.31.
Variant type: single nucleotide variant.
Coding change: c.2168A>G on transcript NM_052947.4 (MANE Select); coding-DNA position 2168, A replaced by G.
Protein change: p.Gln723Arg; replaces glutamine 723 with arginine.
Molecular consequence: missense variant.
Genome position (GRCh38, 1-based): chr18:58,538,019, T>C on the plus strand (A>G on the coding strand, the complement: ALPK2 is on the minus strand). VCF-style: chr18-58538019-T-C. GRCh37 (hg19) VCF-style: chr18-56205251-T-C.
Other names: short protein forms Q723R.
Identifiers: ClinVar variation 3228618 (VCV003228618.1), dbSNP rs2518878032, ClinGen allele CA402571361.